The following is an entry in ClinVar:

ClinVar aggregate classification (germline): Pathogenic. Review status: criteria provided, multiple submitters, no conflicts (2 of 4 stars). 3 submissions from 3 submitters: Pathogenic (3). Last evaluated 2025-10-13.

Conditions:
Usher syndrome type 2A. Also called: RETINAL DISEASE IN USHER SYNDROME TYPE IIA, MODIFIER OF; USHER SYNDROME, TYPE IIA. Identifiers: Orphanet 231178, Orphanet 886, MedGen C1848634, MONDO:0010169, OMIM 276901.
Retinitis pigmentosa 39 (RP39). Identifiers: Orphanet 791, MedGen C3151138, MONDO:0013436, OMIM 613809.

Submissions (3):

Natera, Inc.
Classification: Pathogenic for Usher syndrome type 2A. Last evaluated: 2025-10-13. Review status: criteria provided, single submitter. Criteria: Natera Variant Classification Schema (03/2026). Collection method: clinical testing. Allele origin: germline.
Comment: The c.5079G>A variant in USH2A is a nonsense variant predicted to introduce a stop codon at amino acid 1693. This variant is expected to result in nonsense mediated decay, truncation, or a dysfunctional protein product. This variant is rare in the general population with a frequency below the threshold expected for the associated phenotype(s). This variant has been observed in one or more individuals affected with the associated recessive disease, as either homozygous or compound heterozygous with a second variant (PMID: 30948794). Given the available evidence, this variant is classified as Pathogenic.

Baylor Genetics
Classification: Pathogenic for Retinitis pigmentosa 39. Last evaluated: 2023-10-02. Review status: criteria provided, single submitter. Criteria: ACMG Guidelines, 2015. Collection method: clinical testing. Allele origin: unknown.

Labcorp Genetics (formerly Invitae), Labcorp
Classification: Pathogenic. Last evaluated: 2023-08-30. Review status: criteria provided, single submitter. Criteria: Invitae Variant Classification Sherloc (09022015). Collection method: clinical testing. Allele origin: germline.
Comment: For these reasons, this variant has been classified as Pathogenic. This sequence change creates a premature translational stop signal (p.Trp1693*) in the USH2A gene. It is expected to result in an absent or disrupted protein product. Loss-of-function variants in USH2A are known to be pathogenic (PMID: 10729113, 10909849, 20507924, 25649381). This variant is not present in population databases (gnomAD no frequency). This premature translational stop signal has been observed in individual(s) with Usher syndrome (PMID: 30948794). ClinVar contains an entry for this variant (Variation ID: 863100).

Literature cited by the submitters: PubMed 30948794 (cited by Natera, Inc. and Labcorp Genetics (formerly Invitae), Labcorp); PubMed 10729113 (cited by Labcorp Genetics (formerly Invitae), Labcorp); PubMed 10909849 (cited by Labcorp Genetics (formerly Invitae), Labcorp); PubMed 20507924 (cited by Labcorp Genetics (formerly Invitae), Labcorp); PubMed 25649381 (cited by Labcorp Genetics (formerly Invitae), Labcorp).

NM_206933.4(USH2A):c.5079G>A (p.Trp1693Ter)

Genes: USH2A (usherin; minus strand), USH2A-AS2 (USH2A antisense RNA 2; plus strand). Cytogenetic location: 1q41.
Variant type: single nucleotide variant.
Coding change: c.5079G>A on transcript NM_206933.4 (MANE Select); coding-DNA position 5079, G replaced by A.
Protein change: p.Trp1693Ter; replaces tryptophan 1693 with a stop codon.
Molecular consequence: nonsense.
Genome position (GRCh38, 1-based): chr1:216,084,786, C>T on the plus strand (G>A on the coding strand, the complement: USH2A is on the minus strand). VCF-style: chr1-216084786-C-T. GRCh37 (hg19) VCF-style: chr1-216258128-C-T.
Other names: short protein forms W1693*.
Identifiers: ClinVar variation 863100 (VCV000863100.11), dbSNP rs2032072206, ClinGen allele CA344859067.